The following is an entry in ClinVar:

ClinVar aggregate classification (germline): Benign/Likely benign. Review status: criteria provided, multiple submitters, no conflicts (2 of 4 stars). 15 submissions from 15 submitters: Benign (5); Likely benign (6). 4 of the submissions do not count toward it. Last evaluated 2026-07-01.

Conditions:
SACS-related disorder. Also called: SACS-related condition.
Spastic paraplegia. Identifiers: MedGen C0037772, HP:0001258.
Hereditary spastic paraplegia. Also called: Familial spastic paraparesis. Identifiers: Orphanet 685, MedGen C0037773, MONDO:0019064. Disease mechanism: loss of function.
Charlevoix-Saguenay spastic ataxia (SACS). Also called: AUTOSOMAL RECESSIVE SPASTIC ATAXIA OF CHARLEVOIX-SAGUENAY; SPASTIC ATAXIA 6, AUTOSOMAL RECESSIVE; Spastic ataxia of Charlevoix-Saguenay. Identifiers: Orphanet 98, MedGen C1849140, MONDO:0010041, OMIM 270550.

Allele frequency attached by ClinVar (database versions not stated): 1000 Genomes Project 0.00140; 1000 Genomes Project 30x 0.00172; TOPMed 0.00300; gnomAD exomes 0.00307 and 0.00517; ExAC 0.00343; ESP Exome Variant Server 0.00377; gnomAD 0.00287 and 0.00292.
gnomAD v4.1: 7,966 of 1,604,468 alleles (0.5%); highest among the groups gnomAD compares: Non-Finnish European, 0.62%; 28 homozygotes.

Submissions (15):

CeGaT Center for Human Genetics Tuebingen
Classification: Likely benign. Last evaluated: 2026-07-01. Review status: criteria provided, single submitter. Criteria: CeGaT Center For Human Genetics Tuebingen Variant Classification Criteria Version 2. Collection method: clinical testing. Allele origin: germline. Affected: yes. Observed: 29 variant alleles.
Comment: SACS: BP4, BP7, BS2

Labcorp Genetics (formerly Invitae), Labcorp
Classification: Benign for Spastic paraplegia. Last evaluated: 2026-01-30. Review status: criteria provided, single submitter. Criteria: Invitae Variant Classification Sherloc (09022015). Collection method: clinical testing. Allele origin: germline.

Women's Health and Genetics/Laboratory Corporation of America, LabCorp
Classification: Benign. Last evaluated: 2025-10-27. Review status: criteria provided, single submitter. Criteria: LabCorp Variant Classification Summary - May 2015. Collection method: clinical testing. Allele origin: germline.

Blueprint Genetics
Classification: Likely benign. Last evaluated: 2024-11-21. Review status: criteria provided, single submitter. Criteria: ACMG Guidelines, 2015. Collection method: clinical testing. Allele origin: germline.

Mayo Clinic Laboratories, Mayo Clinic
Classification: Benign. Last evaluated: 2023-11-16. Review status: criteria provided, single submitter. Criteria: ACMG Guidelines, 2015. Collection method: clinical testing. Allele origin: germline. Observed: 29 variant alleles.

Genome Diagnostics Laboratory, The Hospital for Sick Children
Classification: Likely benign for Hereditary spastic paraplegia. Last evaluated: 2021-10-12. Review status: criteria provided, single submitter. Criteria: ACMG Guidelines, 2015. Collection method: clinical testing. Allele origin: germline. Affected: yes.

Genome-Nilou Lab
Classification: Benign for Charlevoix-Saguenay spastic ataxia. Last evaluated: 2021-09-05. Review status: criteria provided, single submitter. Criteria: ACMG Guidelines, 2015. Collection method: clinical testing. Allele origin: germline. Affected: no.

GeneDx
Classification: Likely benign. Last evaluated: 2021-05-25. Review status: criteria provided, single submitter. Criteria: GeneDx Variant Classification Process June 2021. Collection method: clinical testing. Allele origin: germline. Affected: yes.

Athena Diagnostics
Classification: Benign. Last evaluated: 2017-09-29. Review status: criteria provided, single submitter. Criteria: Athena Diagnostics Criteria. Collection method: clinical testing. Allele origin: germline.

Eurofins Ntd Llc (ga)
Classification: Likely benign. Last evaluated: 2016-01-08. Review status: criteria provided, single submitter. Criteria: EGL Classification Definitions 2015. Collection method: clinical testing. Allele origin: germline. Observed: 1 variant allele, 1 heterozygote.

Clinical Genetics DNA and cytogenetics Diagnostics Lab, Erasmus MC, Erasmus Medical Center
Classification: Likely benign for Charlevoix-Saguenay spastic ataxia. Last evaluated: 2015-09-21. Review status: criteria provided, single submitter. Criteria: ACGS Guidelines, 2013. Collection method: clinical testing. Allele origin: germline. Affected: yes. Study: VKGL Data-share Consensus.

Natera, Inc.
Classification: Benign for Charlevoix-Saguenay type spastic ataxia. Last evaluated: 2020-05-02. Review status: no assertion criteria provided. Collection method: clinical testing. Allele origin: germline. Not counted in ClinVar's aggregate classification.

PreventionGenetics, part of Exact Sciences
Classification: Likely benign for SACS-related condition. Last evaluated: 2019-03-21. Review status: no assertion criteria provided. Collection method: clinical testing. Allele origin: germline. Not counted in ClinVar's aggregate classification.
Comment: This variant is classified as likely benign based on ACMG/AMP sequence variant interpretation guidelines (Richards et al. 2015 PMID: 25741868, with internal and published modifications).

Diagnostic Laboratory, Department of Genetics, University Medical Center Groningen
Classification: Likely benign for Charlevoix-Saguenay spastic ataxia. Review status: no assertion criteria provided. Collection method: clinical testing. Allele origin: germline. Affected: yes. Study: VKGL Data-share Consensus. Not counted in ClinVar's aggregate classification.

Genome Diagnostics Laboratory, University Medical Center Utrecht
Classification: Likely benign. Review status: no assertion criteria provided. Collection method: clinical testing. Allele origin: germline. Affected: yes. Study: VKGL Data-share Consensus. Not counted in ClinVar's aggregate classification.

NM_014363.6(SACS):c.3129A>G (p.Ser1043=)

Gene: SACS (sacsin molecular chaperone; minus strand). Cytogenetic location: 13q12.12.
Variant type: single nucleotide variant.
Coding change: c.3129A>G on transcript NM_014363.6 (MANE Select); coding-DNA position 3129, A replaced by G.
Protein change: p.Ser1043=; no amino-acid change (serine 1043 retained).
Molecular consequence: synonymous variant.
Genome position (GRCh38, 1-based): chr13:23,340,747, T>C on the plus strand (A>G on the coding strand, the complement: SACS is on the minus strand). VCF-style: chr13-23340747-T-C. GRCh37 (hg19) VCF-style: chr13-23914886-T-C.
Other names: p.Ser1043=; c.2688A>G, p.Ser896= (NM_001278055.2).
Identifiers: ClinVar variation 240898 (VCV000240898.67), dbSNP rs148878361, ClinGen allele CA6911564.